The following is an entry in ClinVar:

ClinVar aggregate classification (germline): Uncertain significance (1 of 4 stars; one submission).

Conditions:
Renal cell carcinoma. Identifiers: Orphanet 217071, MedGen C0007134, MeSH D002292, MONDO:0005086, HP:0005584.

Submission:

Labcorp Genetics (formerly Invitae), Labcorp
Classification: Uncertain significance for Renal cell carcinoma. Last evaluated: 2025-04-29. Review status: criteria provided, single submitter. Criteria: Invitae Variant Classification Sherloc (09022015). Collection method: clinical testing. Allele origin: germline.
Comment: This sequence change replaces glutamic acid, which is acidic and polar, with valine, which is neutral and non-polar, at codon 312 of the MET protein (p.Glu312Val). This variant is not present in population databases (gnomAD no frequency). This variant has not been reported in the literature in individuals affected with MET-related conditions. Invitae Evidence Modeling of protein sequence and biophysical properties (such as structural, functional, and spatial information, amino acid conservation, physicochemical variation, residue mobility, and thermodynamic stability) indicates that this missense variant is not expected to disrupt MET protein function with a negative predictive value of 80%. In summary, the available evidence is currently insufficient to determine the role of this variant in disease. Therefore, it has been classified as a Variant of Uncertain Significance.

NM_000245.4(MET):c.935A>T (p.Glu312Val)

Gene: MET (MET proto-oncogene, receptor tyrosine kinase; plus strand). Cytogenetic location: 7q31.2.
Variant type: single nucleotide variant.
Coding change: c.935A>T on transcript NM_000245.4 (MANE Select); coding-DNA position 935, A replaced by T.
Protein change: p.Glu312Val; replaces glutamic acid 312 with valine.
Molecular consequence: missense variant. On other transcripts: intron variant (1).
Genome position (GRCh38, 1-based): chr7:116,700,019, A>T. VCF-style: chr7-116700019-A-T. GRCh37 (hg19) VCF-style: chr7-116340073-A-T.
Other names: c.935A>T, p.Glu312Val (NM_001127500.3, NM_001324401.3); c.-91+27442A>T (NM_001324402.2); short protein forms E312V.
Identifiers: ClinVar variation 4808042 (VCV004808042.1).